The following is an entry in ClinVar:

ClinVar aggregate classification (germline): Uncertain significance. Review status: criteria provided, single submitter (1 of 4 stars). 2 submissions from 2 submitters: Uncertain significance (1). 1 of the submissions does not count toward it. Last evaluated 2022-01-18.

Conditions:
Autosomal recessive nonsyndromic hearing loss 77. Identifiers: Orphanet 90636, MedGen C2746083, MONDO:0013119, OMIM 613079.

Submissions (2):

Labcorp Genetics (formerly Invitae), Labcorp
Classification: Uncertain significance. Last evaluated: 2022-01-18. Review status: criteria provided, single submitter. Criteria: Invitae Variant Classification Sherloc (09022015). Collection method: clinical testing. Allele origin: germline.
Comment: This variant, c.118_120del, results in the deletion of 1 amino acid(s) of the LOXHD1 protein (p.Tyr40del), but otherwise preserves the integrity of the reading frame. This variant has not been reported in the literature in individuals affected with LOXHD1-related conditions. Experimental studies and prediction algorithms are not available or were not evaluated, and the functional significance of this variant is currently unknown. In summary, the available evidence is currently insufficient to determine the role of this variant in disease. Therefore, it has been classified as a Variant of Uncertain Significance. This variant is present in population databases (no rsID available, gnomAD 0.004%).

Natera, Inc.
Classification: Uncertain significance for Autosomal recessive deafness type 77. Last evaluated: 2025-05-18. Review status: no assertion criteria provided. Collection method: clinical testing. Allele origin: germline. Not counted in ClinVar's aggregate classification.

NM_001384474.1(LOXHD1):c.115TAC[1] (p.Tyr40del)

Gene: LOXHD1 (lipoxygenase homology PLAT domains 1; minus strand). Cytogenetic location: 18q21.1.
Variant type: Microsatellite.
Coding change: c.115TAC[1] on transcript NM_001384474.1 (MANE Select); one copy of the 3-base unit TAC starting at c.115; the reference has two copies in a row; one copy, 3 bases deleted.
Protein change: p.Tyr40del; deletes tyrosine 40.
Molecular consequence: inframe deletion.
Genome position (GRCh38, 1-based): chr18:46,656,914-46,656,916, GTA deleted on the plus strand (TAC on the coding strand, the reverse complement: LOXHD1 is on the minus strand); deleting any 3 consecutive bases within chr18:46,656,914-46,656,919 gives the same sequence; the position shown is the placement nearest the transcript's 3' end. VCF-style (leftmost placement, unchanged base first): chr18-46656913-TGTA-T. GRCh37 (hg19) VCF-style: chr18-44236876-TGTA-T.
Other names: c.115TAC[1], p.Tyr40del (NM_144612.7); c.118_120del (NM_144612.6); short protein forms Y40del.
Identifiers: ClinVar variation 1357371 (VCV001357371.9), dbSNP rs1401999281, ClinGen allele CA629498669.
Genomic context (GRCh38, chr18:46,656,913, plus strand): 5'-CCCACCGCAGCCAGCTGCACCACCCGCCCCCCGCAGGCTGGGACCCCGCACCTCTGGCCT[TGTA>T]GTACTCGTGTTCCAGCTCCCCCTCGTCGTCCTCCGAGGCGTAGTTCAGCAGCTCCGCTTC-3'